The following is an entry in ClinVar:

ClinVar aggregate classification (germline): Uncertain significance (1 of 4 stars; one submission).

Submission:

GeneDx
Classification: Uncertain significance. Last evaluated: 2024-01-25. Review status: criteria provided, single submitter. Criteria: GeneDx Variant Classification Process June 2021. Collection method: clinical testing. Allele origin: germline. Affected: yes.
Comment: Not observed at significant frequency in large population cohorts (gnomAD); In silico analysis supports that this missense variant does not alter protein structure/function; Has not been previously published as pathogenic or benign to our knowledge

NM_013436.5(NCKAP1):c.2356A>C (p.Ser786Arg)

Gene: NCKAP1 (NCK associated protein 1; minus strand). Cytogenetic location: 2q32.1.
Variant type: single nucleotide variant.
Coding change: c.2356A>C on transcript NM_013436.5 (MANE Select); coding-DNA position 2356, A replaced by C.
Protein change: p.Ser786Arg; replaces serine 786 with arginine.
Molecular consequence: missense variant.
Genome position (GRCh38, 1-based): chr2:182,953,129, T>G on the plus strand (A>C on the coding strand, the complement: NCKAP1 is on the minus strand). VCF-style: chr2-182953129-T-G. GRCh37 (hg19) VCF-style: chr2-183817857-T-G.
Other names: c.2374A>C, p.Ser792Arg (NM_205842.3); short protein forms S786R, S792R.
Identifiers: ClinVar variation 3368385 (VCV003368385.1).
Genomic context (GRCh38, chr2:182,953,129, plus strand): 5'-TTACAAATTTTCCGCTACTACAAATTTCTAAATGCATTCCTTACCAATTTGTGTATAGAC[T>G]TGTAATGGTTGGCTCTCCATGACTGTCTAAATGTTGTGTTTGTTGAAGAAGCACATTATT-3'
Protein context (NP_038464.1, residues 776-796): LDSHGEPTIT[Ser786Arg]LYTNWYLETL